The following is an entry in ClinVar:

NM_000179.3(MSH6):c.2688A>C (p.Lys896Asn)

Gene: MSH6 (mutS homolog 6; plus strand). Cytogenetic location: 2p16.3.
Variant type: single nucleotide variant.
Coding change: c.2688A>C on transcript NM_000179.3 (MANE Select); coding-DNA position 2688, A replaced by C.
Protein change: p.Lys896Asn; replaces lysine 896 with asparagine.
Molecular consequence: missense variant. On other transcripts: intron variant (2), non-coding transcript variant (5).
Genome position (GRCh38, 1-based): chr2:47,800,671, A>C. VCF-style: chr2-47800671-A-C. GRCh37 (hg19) VCF-style: chr2-48027810-A-C.
Other names: c.2308+380A>C (NM_001406803.1); c.1606+1082A>C (NM_001406817.1); c.2298A>C, p.Lys766Asn (NM_001281492.2); c.1782A>C, p.Lys594Asn (NM_001281493.2, NM_001281494.2, NM_001406811.1 and 6 more transcripts); c.2784A>C, p.Lys928Asn (NM_001406795.1, NM_001406802.1); c.2688A>C, p.Lys896Asn (NM_001406796.1, NM_001406798.1, NM_001406800.1 and 2 more transcripts); c.2391A>C, p.Lys797Asn (NM_001406797.1, NM_001406801.1, NM_001406805.1 and 10 more transcripts); c.2163A>C, p.Lys721Asn (NM_001406799.1, NM_001406806.1, NM_001406807.1); and 4 more; short protein forms K721N, K870N, K766N, K928N, K211N, K797N, K840N, K898N.
Identifiers: ClinVar variation 3875076 (VCV003875076.1).

ClinVar aggregate classification (germline): Uncertain significance (1 of 4 stars; one submission).

Conditions:
Hereditary cancer-predisposing syndrome. Also called: Tumor predisposition; Neoplastic Syndromes, Hereditary; Hereditary Cancer Syndrome; Hereditary neoplastic syndrome. Identifiers: Orphanet 140162, MedGen C0027672, MeSH D009386, MONDO:0015356.

Submission:

Ambry Genetics
Classification: Uncertain significance for Hereditary cancer-predisposing syndrome. Last evaluated: 2025-01-30. Review status: criteria provided, single submitter. Criteria: Ambry Variant Classification Scheme 2023. Collection method: clinical testing. Allele origin: germline.
Comment: The p.K896N variant (also known as c.2688A>C), located in coding exon 4 of the MSH6 gene, results from an A to C substitution at nucleotide position 2688. The lysine at codon 896 is replaced by asparagine, an amino acid with similar properties. This amino acid position is not well conserved in available vertebrate species. In addition, this alteration is predicted to be tolerated by in silico analysis. Based on the available evidence, the clinical significance of this variant remains unclear.